The following is an entry in ClinVar:

ClinVar aggregate classification (germline): Uncertain significance (1 of 4 stars; one submission).

Allele frequency attached by ClinVar (database versions not stated): gnomAD 0.00001; gnomAD exomes 0.00001; TOPMed 0.00001.
gnomAD v4.1: 10 of 1,550,284 alleles (0.00065%); highest among the groups gnomAD compares: African/African-American, 0.0027%; no homozygotes.

Submission:

GeneDx
Classification: Uncertain significance. Last evaluated: 2021-06-30. Review status: criteria provided, single submitter. Criteria: GeneDx Variant Classification Process June 2021. Collection method: clinical testing. Allele origin: germline. Affected: yes.
Comment: Not observed at significant frequency in large population cohorts (Lek et al., 2016); In silico analysis supports that this missense variant has a deleterious effect on protein structure/function; Has not been previously published as pathogenic or benign to our knowledge; This variant is associated with the following publications: (PMID: 27535533)

NM_014159.7(SETD2):c.1043A>G (p.Glu348Gly)

Gene: SETD2 (SET domain containing 2, histone lysine methyltransferase; minus strand). Cytogenetic location: 3p21.31.
Variant type: single nucleotide variant.
Coding change: c.1043A>G on transcript NM_014159.7 (MANE Select); coding-DNA position 1043, A replaced by G.
Protein change: p.Glu348Gly; replaces glutamic acid 348 with glycine.
Molecular consequence: missense variant. On other transcripts: non-coding transcript variant (1).
Genome position (GRCh38, 1-based): chr3:47,123,593, T>C on the plus strand (A>G on the coding strand, the complement: SETD2 is on the minus strand). VCF-style: chr3-47123593-T-C. GRCh37 (hg19) VCF-style: chr3-47165083-T-C.
Other names: c.911A>G, p.Glu304Gly (NM_001349370.3); short protein forms E304G, E348G.
Identifiers: ClinVar variation 1331121 (VCV001331121.2), dbSNP rs1024103793, ClinGen allele CA73811830.